The following is an entry in ClinVar:

NM_014249.4(NR2E3):c.348C>G (p.Asp116Glu)

Gene: NR2E3 (nuclear receptor subfamily 2 group E member 3; plus strand). Cytogenetic location: 15q23.
Variant type: single nucleotide variant.
Coding change: c.348C>G on transcript NM_014249.4 (MANE Select); coding-DNA position 348, C replaced by G.
Protein change: p.Asp116Glu; replaces aspartic acid 116 with glutamic acid.
Molecular consequence: missense variant.
Genome position (GRCh38, 1-based): chr15:71,811,868, C>G. VCF-style: chr15-71811868-C-G. GRCh37 (hg19) VCF-style: chr15-72104208-C-G.
Other names: c.348C>G, p.Asp116Glu (NM_016346.4); short protein forms D116E.
Identifiers: ClinVar variation 2756156 (VCV002756156.3), dbSNP rs374499278, ClinGen allele CA393033771.

ClinVar aggregate classification (germline): Uncertain significance (1 of 4 stars; one submission).

Submission:

Labcorp Genetics (formerly Invitae), Labcorp
Classification: Uncertain significance. Last evaluated: 2025-01-13. Review status: criteria provided, single submitter. Criteria: Invitae Variant Classification Sherloc (09022015). Collection method: clinical testing. Allele origin: germline.
Comment: This sequence change replaces aspartic acid, which is acidic and polar, with glutamic acid, which is acidic and polar, at codon 116 of the NR2E3 protein (p.Asp116Glu). This variant is present in population databases (no rsID available, gnomAD 0.002%). This variant has not been reported in the literature in individuals affected with NR2E3-related conditions. ClinVar contains an entry for this variant (Variation ID: 2756156). Experimental studies and prediction algorithms are not available or were not evaluated, and the functional significance of this variant is currently unknown. In summary, the available evidence is currently insufficient to determine the role of this variant in disease. Therefore, it has been classified as a Variant of Uncertain Significance.